The following is an entry in ClinVar:

ClinVar aggregate classification (germline): Pathogenic (1 of 4 stars; one submission).

Conditions:
Primary ciliary dyskinesia. Also called: Ciliary dyskinesia. Identifiers: Orphanet 244, MedGen C0008780, MONDO:0016575, HP:0012265.

Submission:

Labcorp Genetics (formerly Invitae), Labcorp
Classification: Pathogenic for Primary ciliary dyskinesia. Last evaluated: 2022-07-05. Review status: criteria provided, single submitter. Criteria: Invitae Variant Classification Sherloc (09022015). Collection method: clinical testing. Allele origin: germline.
Comment: For these reasons, this variant has been classified as Pathogenic. ClinVar contains an entry for this variant (Variation ID: 1072914). This variant has not been reported in the literature in individuals affected with DNAH5-related conditions. This variant is not present in population databases (gnomAD no frequency). This sequence change creates a premature translational stop signal (p.Arg3710Tyrfs*5) in the DNAH5 gene. It is expected to result in an absent or disrupted protein product. Loss-of-function variants in DNAH5 are known to be pathogenic (PMID: 11788826, 16627867).

Literature cited by the submitters: PubMed 11788826; PubMed 16627867.

NM_001369.3(DNAH5):c.11127_11128del (p.Arg3710fs)

Gene: DNAH5 (dynein axonemal heavy chain 5; minus strand). Cytogenetic location: 5p15.2.
Variant type: Deletion.
Coding change: c.11127_11128del on transcript NM_001369.3 (MANE Select); coding-DNA positions 11127 to 11128, 2 bases deleted (CC; older notation c.11127_11128delCC).
Protein change: p.Arg3710fs; shifts the reading frame from arginine 3710.
Molecular consequence: frameshift variant.
Genome position (GRCh38, 1-based): chr5:13,751,161-13,751,162, GG deleted on the plus strand (CC on the coding strand, the reverse complement: DNAH5 is on the minus strand); deleting any 2 consecutive bases within chr5:13,751,161-13,751,163 gives the same sequence; the c. name uses the placement nearest the transcript's 3' end. VCF-style (leftmost placement, unchanged base first): chr5-13751160-CGG-C. GRCh37 (hg19) VCF-style: chr5-13751269-CGG-C.
Other names: short protein forms R3710fs.
Identifiers: ClinVar variation 1072914 (VCV001072914.7), dbSNP rs768492048, ClinGen allele CA2499217597.